The following is an entry in ClinVar:

NM_007294.4(BRCA1):c.4986+9A>G

Gene: BRCA1 (BRCA1 DNA repair associated; minus strand). Cytogenetic location: 17q21.31.
Variant type: single nucleotide variant.
Coding change: c.4986+9A>G on transcript NM_007294.4 (MANE Select); 9 bases into the intron after coding-DNA position 4986, A replaced by G.
Molecular consequence: intron variant.
Genome position (GRCh38, 1-based): chr17:43,070,919, T>C on the plus strand (A>G on the coding strand, the complement: BRCA1 is on the minus strand). VCF-style: chr17-43070919-T-C. GRCh37 (hg19) VCF-style: chr17-41222936-T-C.
Other names: c.1533+9A>G (NM_001408458.1, NM_001408461.1, NM_001408464.1 and 7 more transcripts); c.4095+9A>G (NM_001407967.1); c.4605+9A>G (NM_001407959.1); c.4719+9A>G (NM_001407931.1, NM_001407932.1, NM_001407928.1 and 4 more transcripts); c.4842+9A>G (NM_001407747.1, NM_001407745.1, NM_001407737.1 and 21 more transcripts); c.4602+9A>G (NM_001407962.1, NM_001407960.1); c.1173+9A>G (NM_001408512.1); c.1296+9A>G (NM_001408510.1); and 71 more.
Identifiers: ClinVar variation 865498 (VCV000865498.3), dbSNP rs1567774286, ClinGen allele CA916080185.

Conditions:
Breast-ovarian cancer, familial, susceptibility to, 1 (BROVCA1). Also called: BRCA1 Hereditary Breast and Ovarian Cancer; OVARIAN CANCER, SUSCEPTIBILITY TO. Identifiers: Orphanet 145, MedGen C2676676, MONDO:0011450, OMIM 604370. Disease mechanism: loss of function.

Submission:

Brotman Baty Institute, University of Washington
No classification provided (evidence only). Condition: Breast-ovarian cancer, familial 1. Review status: no classification provided. Collection method: in vitro. Allele origin: not applicable. Functional consequence: functionally_normal.
ClinVar note: "not provided" was previously submitted as the classification for the variant. However, the classification appeared to be based only on an observation of functional data so it was converted to no classification on 2025-07-30.